The following is an entry in ClinVar:

ClinVar aggregate classification (germline): Uncertain significance. Review status: criteria provided, multiple submitters, no conflicts (2 of 4 stars). 3 submissions from 3 submitters: Uncertain significance (3). Last evaluated 2025-04-27.

Conditions:
Spastic paraplegia. Identifiers: MedGen C0037772, HP:0001258.

Allele frequency attached by ClinVar (database versions not stated): ExAC 0.00001; TOPMed 0.00002; ESP Exome Variant Server 0.00015.
gnomAD v4.1: 96 of 1,613,874 alleles (0.0059%); highest among the groups gnomAD compares: Non-Finnish European, 0.0076%; no homozygotes.

Submissions (3):

GeneDx
Classification: Uncertain significance. Last evaluated: 2025-04-27. Review status: criteria provided, single submitter. Criteria: GeneDx Variant Classification Process June 2021. Collection method: clinical testing. Allele origin: germline.
Comment: Not observed at significant frequency in large population cohorts (gnomAD); In silico analysis supports that this missense variant has a deleterious effect on protein structure/function; Has been observed as single heterozygous variant of uncertain significance in a patient who has KMT2B-related dystonia with a causative variant in the KMT2B gene (PMID: 37041082); This variant is associated with the following publications: (PMID: 18394578, 37041082)

Mayo Clinic Laboratories, Mayo Clinic
Classification: Uncertain significance. Last evaluated: 2023-06-12. Review status: criteria provided, single submitter. Criteria: ACMG Guidelines, 2015. Collection method: clinical testing. Allele origin: germline. Observed: 2 variant alleles.
Comment: PP3, PM2

Labcorp Genetics (formerly Invitae), Labcorp
Classification: Uncertain significance for Spastic paraplegia. Last evaluated: 2022-07-12. Review status: criteria provided, single submitter. Criteria: Invitae Variant Classification Sherloc (09022015). Collection method: clinical testing. Allele origin: germline.
Comment: This sequence change replaces arginine, which is basic and polar, with histidine, which is basic and polar, at codon 1862 of the ZFYVE26 protein (p.Arg1862His). This variant is present in population databases (rs140471625, gnomAD 0.004%). This variant has not been reported in the literature in individuals affected with ZFYVE26-related conditions. ClinVar contains an entry for this variant (Variation ID: 966025). Algorithms developed to predict the effect of missense changes on protein structure and function are either unavailable or do not agree on the potential impact of this missense change (SIFT: "Deleterious"; PolyPhen-2: "Probably Damaging"; Align-GVGD: "Class C0"). In summary, the available evidence is currently insufficient to determine the role of this variant in disease. Therefore, it has been classified as a Variant of Uncertain Significance.

Literature cited by the submitters: PubMed 37041082 (cited by Mayo Clinic Laboratories, Mayo Clinic).

NM_015346.4(ZFYVE26):c.5585G>A (p.Arg1862His)

Gene: ZFYVE26 (zinc finger FYVE-type containing 26; minus strand). Cytogenetic location: 14q24.1.
Variant type: single nucleotide variant.
Coding change: c.5585G>A on transcript NM_015346.4 (MANE Select); coding-DNA position 5585, G replaced by A.
Protein change: p.Arg1862His; replaces arginine 1862 with histidine.
Molecular consequence: missense variant.
Genome position (GRCh38, 1-based): chr14:67,769,630, C>T on the plus strand (G>A on the coding strand, the complement: ZFYVE26 is on the minus strand). VCF-style: chr14-67769630-C-T. GRCh37 (hg19) VCF-style: chr14-68236347-C-T.
Other names: p.Arg1862His; short protein forms R1862H.
Identifiers: ClinVar variation 966025 (VCV000966025.11), dbSNP rs140471625, ClinGen allele CA7239464.